The following is an entry in ClinVar:

ClinVar aggregate classification (germline): Conflicting classifications of pathogenicity. Review status: criteria provided, conflicting classifications (1 of 4 stars). 2 submissions from 2 submitters: Uncertain significance (1); Likely benign (1). Last evaluated 2025-07-14.

Allele frequency attached by ClinVar (database versions not stated): TOPMed 0.00006; ExAC 0.00001; ESP Exome Variant Server 0.00008; gnomAD 0.00009.
gnomAD v4.1: 21 of 1,614,146 alleles (0.0013%); highest among the groups gnomAD compares: African/African-American, 0.024%; no homozygotes.

Submissions (2):

Labcorp Genetics (formerly Invitae), Labcorp
Classification: Likely benign. Last evaluated: 2025-07-14. Review status: criteria provided, single submitter. Criteria: Invitae Variant Classification Sherloc (09022015). Collection method: clinical testing. Allele origin: germline.

GeneDx
Classification: Uncertain significance. Last evaluated: 2024-04-03. Review status: criteria provided, single submitter. Criteria: GeneDx Variant Classification Process June 2021. Collection method: clinical testing. Allele origin: germline. Affected: yes.
Comment: In silico analysis supports that this variant does not alter splicing; Has not been previously published as pathogenic or benign to our knowledge

NM_002700.3(POU4F3):c.70C>T (p.Leu24=)

Genes: POU4F3 (POU class 4 homeobox 3; plus strand), RBM27-POU4F3 (RBM27-POU4F3 readthrough; plus strand). Cytogenetic location: 5q32.
Variant type: single nucleotide variant.
Coding change: c.70C>T on transcript NM_002700.3 (MANE Select); coding-DNA position 70, C replaced by T.
Protein change: p.Leu24=; no amino-acid change (leucine 24 retained).
Molecular consequence: synonymous variant. On other transcripts: missense variant (1).
Genome position (GRCh38, 1-based): chr5:146,339,182, C>T. VCF-style: chr5-146339182-C-T. GRCh37 (hg19) VCF-style: chr5-145718745-C-T.
Other names: c.2903C>T, p.Ser968Phe (NM_001414499.1); c.70C>T (NM_002700.2); short protein forms S968F.
Identifiers: ClinVar variation 2193110 (VCV002193110.5), dbSNP rs142405319, ClinGen allele CA3491022.